The following is an entry in ClinVar:

NM_004612.4(TGFBR1):c.527C>T (p.Thr176Met)

Gene: TGFBR1 (transforming growth factor beta receptor 1; plus strand). Cytogenetic location: 9q22.33.
Variant type: single nucleotide variant.
Coding change: c.527C>T on transcript NM_004612.4 (MANE Select); coding-DNA position 527, C replaced by T.
Protein change: p.Thr176Met; replaces threonine 176 with methionine.
Molecular consequence: missense variant. On other transcripts: intron variant (1).
Genome position (GRCh38, 1-based): chr9:99,132,692, C>T. VCF-style: chr9-99132692-C-T. GRCh37 (hg19) VCF-style: chr9-101894974-C-T.
Other names: c.539C>T, p.Thr180Met (NM_001306210.2); c.343+3592C>T (NM_001130916.3); short protein forms T176M, T180M.
Identifiers: ClinVar variation 855095 (VCV000855095.13), dbSNP rs745324433, ClinGen allele CA042247.
Genomic context (GRCh38, chr9:99,132,692, plus strand): 5'-ATCGAGTGCCAAATGAAGAGGACCCTTCATTAGATCGCCCTTTTATTTCAGAGGGTACTA[C>T]GTTGAAAGACTTAATTTATGATATGACAACGTCAGGTTCTGGCTCAGGTAACATAATTGT-3'
Protein context (NP_004603.1, residues 166-186): LDRPFISEGT[Thr176Met]LKDLIYDMTT

ClinVar aggregate classification (germline): Uncertain significance. Review status: criteria provided, multiple submitters, no conflicts (2 of 4 stars). 5 submissions from 5 submitters: Uncertain significance (5). Last evaluated 2026-03-17.

Conditions:
Familial thoracic aortic aneurysm and aortic dissection (TAAD). Also called: Thoracic aortic aneurysms and dissections. Identifiers: Orphanet 91387, MedGen C4707243, MONDO:0019625.
Loeys-Dietz syndrome (LDS). Identifiers: Orphanet 60030, MedGen C2697932, MONDO:0018954.

Allele frequency attached by ClinVar (database versions not stated): TOPMed below 0.00001; gnomAD exomes 0.00001; ExAC 0.00003.
gnomAD v4.1: 23 of 1,614,090 alleles (0.0014%); highest among the groups gnomAD compares: South Asian, 0.0077%; 2 homozygotes.

Submissions (5):

Women's Health and Genetics/Laboratory Corporation of America, LabCorp
Classification: Uncertain significance. Last evaluated: 2026-03-17. Review status: criteria provided, single submitter. Criteria: LabCorp Variant Classification Summary - May 2015. Collection method: clinical testing. Allele origin: germline.
Comment: Variant summary: TGFBR1 c.527C>T (p.Thr176Met) results in a non-conservative amino acid change in the encoded protein sequence. Algorithms developed to predict the effect of missense changes on protein structure and function all suggest that this variant is likely to be disruptive. The variant allele was found at a frequency of 1.2e-05 in 250966 control chromosomes. The available data on variant occurrences in the general population are insufficient to allow any conclusion about variant significance. To our knowledge, no occurrence of c.527C>T in individuals affected with TGFBR1-related conditions and no experimental evidence demonstrating its impact on protein function have been reported. ClinVar contains an entry for this variant (Variation ID: 855095). Based on the evidence outlined above, the variant was classified as uncertain significance.

Labcorp Genetics (formerly Invitae), Labcorp
Classification: Uncertain significance for Familial thoracic aortic aneurysm and aortic dissection. Last evaluated: 2025-11-06. Review status: criteria provided, single submitter. Criteria: Invitae Variant Classification Sherloc (09022015). Collection method: clinical testing. Allele origin: germline.
Comment: This sequence change replaces threonine, which is neutral and polar, with methionine, which is neutral and non-polar, at codon 176 of the TGFBR1 protein (p.Thr176Met). This variant is present in population databases (rs745324433, gnomAD 0.003%). This variant has not been reported in the literature in individuals affected with TGFBR1-related conditions. ClinVar contains an entry for this variant (Variation ID: 855095). Invitae Evidence Modeling of protein sequence and biophysical properties (such as structural, functional, and spatial information, amino acid conservation, physicochemical variation, residue mobility, and thermodynamic stability) indicates that this missense variant is not expected to disrupt TGFBR1 protein function with a negative predictive value of 95%. In summary, the available evidence is currently insufficient to determine the role of this variant in disease. Therefore, it has been classified as a Variant of Uncertain Significance.

All of Us Research Program, National Institutes of Health
Classification: Uncertain significance for Loeys-Dietz syndrome. Last evaluated: 2024-02-05. Review status: criteria provided, single submitter. Criteria: ACMG Guidelines, 2015. Collection method: clinical testing. Allele origin: germline. Inheritance: Autosomal dominant inheritance. Observed: 2 variant alleles, 2 heterozygotes.
Comment: This missense variant replaces threonine with methionine at codon 176 of the TGFBR1 protein. Computational prediction suggests that this variant may have deleterious impact on protein structure and function (internally defined REVEL score threshold >= 0.7, PMID: 27666373). To our knowledge, functional studies have not been reported for this variant. This variant has not been reported in individuals affected with TGFBR1-related disorders in the literature. This variant has been identified in 3/250966 chromosomes in the general population by the Genome Aggregation Database (gnomAD). The available evidence is insufficient to determine the role of this variant in disease conclusively. Therefore, this variant is classified as a Variant of Uncertain Significance.

This study involves interpretation of variants in research participants for the purpose of population health screening. Participant phenotype was not available at the time of variant classification. Additional details can be found in publication PMID: 35346344, PMCID: PMC8962531

Color Diagnostics, LLC DBA Color Health
Classification: Uncertain significance for Familial thoracic aortic aneurysm and aortic dissection. Last evaluated: 2023-09-28. Review status: criteria provided, single submitter. Criteria: ACMG Guidelines, 2015. Collection method: clinical testing. Allele origin: germline.
Comment: This missense variant replaces threonine with methionine at codon 176 of the TGFBR1 protein. Computational prediction suggests that this variant may have deleterious impact on protein structure and function. To our knowledge, functional studies have not been reported for this variant. This variant has not been reported in individuals affected with TGFBR1-related disorders in the literature. This variant has been identified in 3/250966 chromosomes in the general population by the Genome Aggregation Database (gnomAD). The available evidence is insufficient to determine the role of this variant in disease conclusively. Therefore, this variant is classified as a Variant of Uncertain Significance.

GeneDx
Classification: Uncertain significance. Last evaluated: 2019-12-30. Review status: criteria provided, single submitter. Criteria: GeneDx Variant Classification Process June 2021. Collection method: clinical testing. Allele origin: germline. Affected: yes.
Comment: Not observed at a significant frequency in large population cohorts (Lek et al., 2016); In silico analysis, which includes protein predictors and evolutionary conservation, supports a deleterious effect; Has not been previously published as pathogenic or benign to our knowledge